The following is an entry in ClinVar:

ClinVar aggregate classification (germline): Uncertain significance (1 of 4 stars; one submission).

Allele frequency attached by ClinVar (database versions not stated): TOPMed below 0.00001.

Submission:

GeneDx
Classification: Uncertain significance. Last evaluated: 2019-11-05. Review status: criteria provided, single submitter. Criteria: GeneDx Variant Classification Process June 2021. Collection method: clinical testing. Allele origin: germline. Affected: yes.
Comment: Has not been previously published as pathogenic or benign to our knowledge; Not observed in large population cohorts (Lek et al., 2016); In silico analysis, which includes protein predictors and evolutionary conservation, supports that this variant does not alter protein structure/function

NM_017617.5(NOTCH1):c.29G>A (p.Cys10Tyr)

Genes: NOTCH1 (notch receptor 1; minus strand), LOC130003020 (ATAC-STARR-seq lymphoblastoid silent region 20528; plus strand). Cytogenetic location: 9q34.3.
Variant type: single nucleotide variant.
Coding change: c.29G>A on transcript NM_017617.5 (MANE Select); coding-DNA position 29, G replaced by A.
Protein change: p.Cys10Tyr; replaces cysteine 10 with tyrosine.
Molecular consequence: missense variant.
Genome position (GRCh38, 1-based): chr9:136,545,758, C>T on the plus strand (G>A on the coding strand, the complement: NOTCH1 is on the minus strand). VCF-style: chr9-136545758-C-T. GRCh37 (hg19) VCF-style: chr9-139440210-C-T.
Other names: short protein forms C10Y.
Identifiers: ClinVar variation 1310082 (VCV001310082.2), dbSNP rs1843806739, ClinGen allele CA375579858.
Genomic context (GRCh38, chr9:136,545,758, plus strand): 5'-GGGGGCTCGCGGGTGGGTGGGCGCCTACCTCGTGCGGCGAGCGCGGGCAGCAGCGCCAGG[C>T]AGAGCAGGGGCGCCAGGAGCGGCGGCATGCCTCCCCACCGGCTGCCCTCTGCGCCCGGGC-3'
Protein context (NP_060087.3, residues 1-20): MPPLLAPLL[Cys10Tyr]LALLPALAAR